The following is an entry in ClinVar:

NM_001350162.2(TEX15):c.1868A>G (p.Asn623Ser)

Gene: TEX15 (testis expressed 15, meiosis and synapsis associated; minus strand). Cytogenetic location: 8p12.
Variant type: single nucleotide variant.
Coding change: c.1868A>G on transcript NM_001350162.2 (MANE Select); coding-DNA position 1868, A replaced by G.
Protein change: p.Asn623Ser; replaces asparagine 623 with serine.
Molecular consequence: missense variant.
Genome position (GRCh38, 1-based): chr8:30,848,299, T>C on the plus strand (A>G on the coding strand, the complement: TEX15 is on the minus strand). VCF-style: chr8-30848299-T-C. GRCh37 (hg19) VCF-style: chr8-30705815-T-C.
Other names: c.719A>G, p.Asn240Ser (NM_031271.3); short protein forms N240S, N623S.
Identifiers: ClinVar variation 3034615 (VCV003034615.2), dbSNP rs150878526, ClinGen allele CA4703544.

ClinVar aggregate classification (germline): Likely benign (0 of 4 stars; one submission).

Conditions:
TEX15-related disorder. Also called: TEX15-related condition.

Allele frequency attached by ClinVar (database versions not stated): gnomAD exomes 0.00015; ExAC 0.00033; ESP Exome Variant Server 0.00085; gnomAD 0.00105; 1000 Genomes Project 0.00120; TOPMed 0.00127; 1000 Genomes Project 30x 0.00172.
gnomAD v4.1: 393 of 1,613,142 alleles (0.024%); highest among the groups gnomAD compares: African/African-American, 0.39%; no homozygotes.

Submission:

PreventionGenetics, part of Exact Sciences
Classification: Likely benign for TEX15-related condition. Last evaluated: 2022-02-03. Review status: no assertion criteria provided. Collection method: clinical testing. Allele origin: germline.
Comment: This variant is classified as likely benign based on ACMG/AMP sequence variant interpretation guidelines (Richards et al. 2015 PMID: 25741868, with internal and published modifications).